The following is an entry in ClinVar:

ClinVar aggregate classification (germline): Benign. Review status: criteria provided, multiple submitters, no conflicts (2 of 4 stars). 20 submissions from 17 submitters: Benign (16). 4 of the submissions do not count toward it. Last evaluated 2026-02-04.

Conditions:
Central core myopathy (CMYO1A). Also called: CONGENITAL MYOPATHY 1A, AUTOSOMAL DOMINANT, WITH SUSCEPTIBILITY TO MALIGNANT HYPERTHERMIA; Central core disease; Myopathy, central fibrillar. Identifiers: Orphanet 597, MedGen C5830701, MONDO:0007294, OMIM 117000.
Malignant hyperthermia, susceptibility to, 1 (MHS1). Also called: Malignant hyperthermia suceptibility 1; Anesthesia related hyperthermia; Malignant hyperpyrexia; Fulminating hyperpyrexia; Pharmacogenic myopathy; RYR1-Related Malignant Hyperthermia Susceptibility. Identifiers: Orphanet 423, MedGen C2930980, MONDO:0007783, OMIM 145600.
Congenital multicore myopathy with external ophthalmoplegia (CMYO1B). Also called: MULTIMINICORE DISEASE WITH EXTERNAL OPHTHALMOPLEGIA; MULTICORE MYOPATHY; Minicore myopathy with external ophthalmoplegia; Congenital myopathy 1B, autosomal recessive; Minicore myopathy. Identifiers: Orphanet 598, Orphanet 98905, MedGen C1850674, MONDO:0009712, OMIM 255320, HP:0003789.
King Denborough syndrome (KDS). Identifiers: MedGen C1840365, MONDO:0020485, OMIM 619542.
Congenital myopathy with fiber type disproportion. Also called: Congenital fiber-type disproportion myopathy; Congenital fiber-type disproportion. Identifiers: Orphanet 2020, MedGen C0546264, MONDO:0009711. Inheritance: all.
RYR1-related disorder. Also called: RYR1-related condition; RYR1-related disorders. Identifiers: MedGen CN239331.

Allele frequency attached by ClinVar (database versions not stated): gnomAD exomes 0.28204 and 0.32796; ESP Exome Variant Server 0.32362; ExAC 0.32942; gnomAD 0.33482 and 0.33893; TOPMed 0.34614; 1000 Genomes Project 30x 0.41396; 1000 Genomes Project 0.41713.
gnomAD v4.1: 464,916 of 1,613,742 alleles (29%); highest among the groups gnomAD compares: African/African-American, 46%; 71,185 homozygotes.

Submissions (20):

Labcorp Genetics (formerly Invitae), Labcorp
Classification: Benign for RYR1-related disorder. Last evaluated: 2026-02-04. Review status: criteria provided, single submitter. Criteria: Invitae Variant Classification Sherloc (09022015). Collection method: clinical testing. Allele origin: germline.

Blueprint Genetics
Classification: Benign. Last evaluated: 2024-11-28. Review status: criteria provided, single submitter. Criteria: ACMG Guidelines, 2015. Collection method: clinical testing. Allele origin: germline.

Genome-Nilou Lab
Classification: Benign for Central core myopathy. Last evaluated: 2021-11-07. Review status: criteria provided, single submitter. Criteria: ACMG Guidelines, 2015. Collection method: clinical testing. Allele origin: germline. Affected: no.

Genome-Nilou Lab
Classification: Benign for King Denborough syndrome. Last evaluated: 2021-11-07. Review status: criteria provided, single submitter. Criteria: ACMG Guidelines, 2015. Collection method: clinical testing. Allele origin: germline. Affected: no.

Genome-Nilou Lab
Classification: Benign for Congenital multicore myopathy with external ophthalmoplegia. Last evaluated: 2021-11-07. Review status: criteria provided, single submitter. Criteria: ACMG Guidelines, 2015. Collection method: clinical testing. Allele origin: germline. Affected: no.

Fulgent Genetics
Classification: Benign for Central core myopathy; Malignant hyperthermia, susceptibility to, 1; Congenital myopathy 4A, autosomal dominant; Congenital multicore myopathy with external ophthalmoplegia; King Denborough syndrome. Last evaluated: 2021-07-14. Review status: criteria provided, single submitter. Criteria: ACMG Guidelines, 2015. Collection method: clinical testing. Allele origin: unknown.

Color Diagnostics, LLC DBA Color Health
Classification: Benign for Malignant hyperthermia, susceptibility to, 1. Last evaluated: 2019-03-29. Review status: criteria provided, single submitter. Criteria: ACMG Guidelines, 2015. Collection method: clinical testing. Allele origin: germline.

PreventionGenetics, part of Exact Sciences
Classification: Benign. Last evaluated: 2018-04-03. Review status: criteria provided, single submitter. Criteria: ACMG Guidelines, 2015. Collection method: clinical testing. Allele origin: germline.

Illumina Laboratory Services, Illumina
Classification: Benign for Congenital multicore myopathy with external ophthalmoplegia. Last evaluated: 2018-01-12. Review status: criteria provided, single submitter. Criteria: ICSL Variant Classification Criteria 13 December 2019. Collection method: clinical testing. Allele origin: germline.
Comment: This variant was observed in the ICSL laboratory as part of a predisposition screen in an ostensibly healthy population. It had not been previously curated by ICSL or reported in the Human Gene Mutation Database (HGMD: prior to June 1st, 2018), and was therefore a candidate for classification through an automated scoring system. Utilizing variant allele frequency, disease prevalence and penetrance estimates, and inheritance mode, an automated score was calculated to assess if this variant is too frequent to cause the disease. Based on the score and internal cut-off values, a variant classified as benign is not then subjected to further curation. The score for this variant resulted in a classification of benign for this disease.

Illumina Laboratory Services, Illumina
Classification: Benign for Malignant hyperthermia, susceptibility to, 1. Last evaluated: 2018-01-12. Review status: criteria provided, single submitter. Criteria: ICSL Variant Classification Criteria 13 December 2019. Collection method: clinical testing. Allele origin: germline.
Comment: the same text as in the submission from Illumina Laboratory Services, Illumina above.

Mayo Clinic Laboratories, Mayo Clinic
Classification: Benign. Last evaluated: 2017-07-19. Review status: criteria provided, single submitter. Criteria: ACMG Guidelines, 2015. Collection method: clinical testing. Allele origin: germline. Observed: 413 variant alleles.

GeneDx
Classification: Benign. Last evaluated: 2016-01-25. Review status: criteria provided, single submitter. Criteria: GeneDx Variant Classification (06012015). Collection method: clinical testing. Allele origin: germline. Affected: yes.
Comment: This variant is considered likely benign or benign based on one or more of the following criteria: it is a conservative change, it occurs at a poorly conserved position in the protein, it is predicted to be benign by multiple in silico algorithms, and/or has population frequency not consistent with disease.

Laboratory for Molecular Medicine, Mass General Brigham Personalized Medicine
Classification: Benign. Last evaluated: 2015-01-13. Review status: criteria provided, single submitter. Criteria: LMM Criteria. Collection method: clinical testing. Allele origin: germline. Observed: 4 variant alleles.
Comment: p.Asp2730Asp in exon 51 of RYR1: This variant is not expected to have clinical s ignificance because it does not alter an amino acid residue and is not located w ithin the splice consensus sequence. It has been identified in 45.8% (2020/4406) of African American chromosomes from a broad population by the NHLBI Exome Sequ encing Project (dbSNP rs2915951).

Eurofins Ntd Llc (ga)
Classification: Benign. Last evaluated: 2014-06-06. Review status: criteria provided, single submitter. Criteria: EGL Classification Definitions 2015. Collection method: clinical testing. Allele origin: germline. Observed: 25 variant alleles, 23 heterozygotes, 2 homozygotes.

Genetic Services Laboratory, University of Chicago
Classification: Benign. Last evaluated: 2013-08-15. Review status: criteria provided, single submitter. Criteria: ACMG Guidelines, 2007. Collection method: clinical testing. Allele origin: germline. Inheritance: Autosomal unknown.

Breakthrough Genomics
Classification: Benign. Review status: criteria provided, single submitter. Criteria: ACMG Guidelines, 2015. Collection method: not provided. Allele origin: germline. Inheritance: Autosomal recessive inheritance. Affected: yes.

Clinical Genetics, Academic Medical Center
Classification: Benign. Review status: no assertion criteria provided. Collection method: clinical testing. Allele origin: germline. Affected: yes. Study: VKGL Data-share Consensus. Not counted in ClinVar's aggregate classification.

Department of Pathology and Laboratory Medicine, Sinai Health System
Classification: Uncertain significance. Review status: no assertion criteria provided. Collection method: clinical testing. Allele origin: unknown. Affected: yes. Study: The Canadian Open Genetics Repository (COGR). Not counted in ClinVar's aggregate classification.
Comment: Allele frequency is common in at least one population database (frequency: 47.052% in gnomAD_Exomes) based on the frequency threshold of 2.223% for this gene. Variant was observed in a homozygous state in population databases more than expected for disease. 9 reputable source/s reports the variant as benign, but the evidence is not available to the laboratory to perform an independent evaluation. A synonymous variant not located in a splice region.

Joint Genome Diagnostic Labs from Nijmegen and Maastricht, Radboudumc and MUMC+
Classification: Benign. Review status: no assertion criteria provided. Collection method: clinical testing. Allele origin: germline. Affected: yes. Study: VKGL Data-share Consensus. Not counted in ClinVar's aggregate classification.

RYR1 database
No classification provided. Review status: no classification provided. Collection method: not provided. Allele origin: unknown. Not counted in ClinVar's aggregate classification.

NM_000540.3(RYR1):c.8190T>C (p.Asp2730=)

Gene: RYR1 (ryanodine receptor 1; plus strand). Cytogenetic location: 19q13.2.
Variant type: single nucleotide variant.
Coding change: c.8190T>C on transcript NM_000540.3 (MANE Select); coding-DNA position 8190, T replaced by C.
Protein change: p.Asp2730=; no amino-acid change (aspartic acid 2730 retained).
Molecular consequence: synonymous variant.
Genome position (GRCh38, 1-based): chr19:38,504,870, T>C. VCF-style: chr19-38504870-T-C. GRCh37 (hg19) VCF-style: chr19-38995510-T-C.
Other names: p.Asp2730=; c.8190T>C, p.Asp2730= (NM_001042723.2).
Identifiers: ClinVar variation 93298 (VCV000093298.37), dbSNP rs2915951, ClinGen allele CA024899.